The following is an entry in ClinVar:

NM_006231.4(POLE):c.63-1G>A

Gene: POLE (DNA polymerase epsilon, catalytic subunit; minus strand). Cytogenetic location: 12q24.33.
Variant type: single nucleotide variant.
Coding change: c.63-1G>A on transcript NM_006231.4 (MANE Select); the canonical splice acceptor site of the intron before coding-DNA position 63, G replaced by A.
Molecular consequence: splice acceptor variant.
Genome position (GRCh38, 1-based): chr12:132,681,280, C>T on the plus strand (G>A on the coding strand, the complement: POLE is on the minus strand). VCF-style: chr12-132681280-C-T. GRCh37 (hg19) VCF-style: chr12-133257866-C-T.
Other names: c.63-1G>A (NM_006231.2).
Identifiers: ClinVar variation 946775 (VCV000946775.11), dbSNP rs2043162603, ClinGen allele CA387370752.
Genomic context (GRCh38, chr12:132,681,280, plus strand): 5'-GTCCACTGACTCCGTTCCAGGCGCTTGAGTGCCGAAACTGAGGAAGTGGCGCCATCATCC[C>T]TGAGTGAAAGAAGGGAACCCCGTGCTTAATTTGTAATGCCACCTGCTGCTGCTTCTTTTT-3'

ClinVar aggregate classification (germline): Conflicting classifications of pathogenicity. Review status: criteria provided, conflicting classifications (1 of 4 stars). 2 submissions from 2 submitters: Likely pathogenic (1); Uncertain significance (1). Last evaluated 2025-09-15.

Conditions:
Hereditary cancer-predisposing syndrome. Also called: Hereditary neoplastic syndrome; Neoplastic Syndromes, Hereditary; Tumor predisposition; Hereditary Cancer Syndrome. Identifiers: Orphanet 140162, MedGen C0027672, MeSH D009386, MONDO:0015356.

Allele frequency attached by ClinVar (database versions not stated): gnomAD exomes below 0.00001.

Submissions (2):

Labcorp Genetics (formerly Invitae), Labcorp
Classification: Likely pathogenic. Last evaluated: 2025-09-15. Review status: criteria provided, single submitter. Criteria: Invitae Variant Classification Sherloc (09022015). Collection method: clinical testing. Allele origin: germline.
Comment: This sequence change affects an acceptor splice site in intron 1 of the POLE gene. It is expected to disrupt RNA splicing. Variants that disrupt the donor or acceptor splice site typically lead to a loss of protein function (PMID: 16199547), and loss-of-function variants in POLE are known to be pathogenic (PMID: 23230001, 25948378, 30503519). This variant is not present in population databases (gnomAD no frequency). This variant has not been reported in the literature in individuals affected with POLE-related conditions. ClinVar contains an entry for this variant (Variation ID: 946775). Studies have shown that disruption of this splice site is associated with inconclusive levels of altered splicing (internal data). In summary, the currently available evidence indicates that the variant is pathogenic, but additional data are needed to prove that conclusively. Therefore, this variant has been classified as Likely Pathogenic.

Ambry Genetics
Classification: Uncertain significance for Hereditary cancer-predisposing syndrome. Last evaluated: 2025-04-03. Review status: criteria provided, single submitter. Criteria: Ambry Variant Classification Scheme 2023. Collection method: clinical testing. Allele origin: germline.
Comment: The c.63-1G>A intronic variant results from a G to A substitution one nucleotide upstream from coding exon 2 of the POLE gene. This nucleotide position is highly conserved in available vertebrate species. In silico splice site analysis predicts that this alteration will weaken the native splice acceptor site and will result in the creation or strengthening of a novel splice acceptor site. Alterations that disrupt the canonical splice site are expected to cause aberrant splicing, resulting in an abnormal protein or a transcript that is subject to nonsense-mediated mRNA decay. Although biallelic loss of function of POLE has been associated with autosomal recessive POLE deficiency, haploinsufficiency of POLE has not been established as a mechanism of disease for POLE-related polymerase proofreading-associated polyposis (PPAP) and POLE-related CMMRD-like syndrome. Based on the supporting evidence, this variant is expected to be causative of POLE deficiency when present along with a second pathogenic variant on the other allele; however, its clinical significance for PPAP and POLE-related CMMRD-like syndrome is unclear.

Literature cited by the submitters: PubMed 16199547 (cited by Labcorp Genetics (formerly Invitae), Labcorp); PubMed 23230001 (cited by Labcorp Genetics (formerly Invitae), Labcorp); PubMed 25948378 (cited by Labcorp Genetics (formerly Invitae), Labcorp); PubMed 30503519 (cited by Labcorp Genetics (formerly Invitae), Labcorp).